The following is an entry in ClinVar:

ClinVar aggregate classification (germline): Uncertain significance (1 of 4 stars; one submission).

gnomAD v4.1: 10 of 1,613,494 alleles (0.00062%); highest among the groups gnomAD compares: Admixed American, 0.017%; no homozygotes.

Submission:

GeneDx
Classification: Uncertain significance. Last evaluated: 2025-03-05. Review status: criteria provided, single submitter. Criteria: GeneDx Variant Classification Process June 2021. Collection method: clinical testing. Allele origin: germline.
Comment: In silico analysis indicates that this variant does not alter splicing; Has not been previously published as pathogenic or benign to our knowledge; Variants in candidate genes are classified as variants of uncertain significance in accordance with ACMG guidelines (PMID: 25741868)

NM_004839.4(HOMER2):c.388-39G>C

Gene: HOMER2 (homer scaffold protein 2; minus strand). Cytogenetic location: 15q25.2.
Variant type: single nucleotide variant.
Coding change: c.388-39G>C on transcript NM_004839.4 (MANE Select); 39 bases into the intron before coding-DNA position 388, G replaced by C.
Molecular consequence: intron variant.
Genome position (GRCh38, 1-based): chr15:82,859,174, C>G on the plus strand (G>C on the coding strand, the complement: HOMER2 is on the minus strand). VCF-style: chr15-82859174-C-G. GRCh37 (hg19) VCF-style: chr15-83527926-C-G.
Other names: c.388-6G>C (NM_199330.3).
Identifiers: ClinVar variation 4975114 (VCV004975114.1).